The following is an entry in ClinVar:

ClinVar aggregate classification (germline): Benign/Likely benign. Review status: criteria provided, multiple submitters, no conflicts (2 of 4 stars). 3 submissions from 3 submitters: Benign (1); Likely benign (1). 1 of the submissions does not count toward it. Last evaluated 2024-11-27.

Conditions:
SLFN14-related disorder. Also called: SLFN14-related condition.

Allele frequency attached by ClinVar (database versions not stated): ESP Exome Variant Server 0.12418; gnomAD 0.14276; TOPMed 0.14941; 1000 Genomes Project 0.18970; 1000 Genomes Project 30x 0.19254.
gnomAD v4.1: 171,630 of 1,550,584 alleles (11%); highest among the groups gnomAD compares: East Asian, 35%; 11,676 homozygotes.

Submissions (3):

Blueprint Genetics
Classification: Likely benign. Last evaluated: 2024-11-27. Review status: criteria provided, single submitter. Criteria: ACMG Guidelines, 2015. Collection method: clinical testing. Allele origin: germline.

Mayo Clinic Laboratories, Mayo Clinic
Classification: Benign. Last evaluated: 2022-09-29. Review status: criteria provided, single submitter. Criteria: ACMG Guidelines, 2015. Collection method: clinical testing. Allele origin: germline. Observed: 166 variant alleles.

PreventionGenetics, part of Exact Sciences
Classification: Benign for SLFN14-related condition. Last evaluated: 2019-10-17. Review status: no assertion criteria provided. Collection method: clinical testing. Allele origin: germline. Not counted in ClinVar's aggregate classification.
Comment: This variant is classified as benign based on ACMG/AMP sequence variant interpretation guidelines (Richards et al. 2015 PMID: 25741868, with internal and published modifications).

NM_001129820.2(SLFN14):c.1914C>T (p.Thr638=)

Gene: SLFN14 (schlafen family member 14; minus strand). Cytogenetic location: 17q12.
Variant type: single nucleotide variant.
Coding change: c.1914C>T on transcript NM_001129820.2 (MANE Select); coding-DNA position 1914, C replaced by T.
Protein change: p.Thr638=; no amino-acid change (threonine 638 retained).
Molecular consequence: synonymous variant.
Genome position (GRCh38, 1-based): chr17:35,549,064, G>A on the plus strand (C>T on the coding strand, the complement: SLFN14 is on the minus strand). VCF-style: chr17-35549064-G-A. GRCh37 (hg19) VCF-style: chr17-33876083-G-A.
Other names: p.Thr638=.
Identifiers: ClinVar variation 3059654 (VCV003059654.4), dbSNP rs1001441, ClinGen allele CA8504574.